The following is an entry in ClinVar:

ClinVar aggregate classification (germline): Uncertain significance. Review status: criteria provided, multiple submitters, no conflicts (2 of 4 stars). 3 submissions from 3 submitters: Uncertain significance (2). 1 of the submissions does not count toward it. Last evaluated 2024-03-11.

Conditions:
Hematuria, benign familial, 1 (BFH1). Also called: THIN MEMBRANE NEPHROPATHY. Identifiers: MedGen CN376803, MONDO:0007709, OMIM 141200.
Autosomal recessive Alport syndrome (ATS2). Also called: Alport syndrome type 2; COL4A4 Alport Syndrome and Thin Basement Membrane Nephropathy; COL4A3-Related Nephropathy; ALPORT SYNDROME 2, AUTOSOMAL RECESSIVE. Identifiers: Orphanet 63, Orphanet 88919, MedGen C4746745, MONDO:0008762, OMIM 203780.
COL4A4-related disorder.

Allele frequency attached by ClinVar (database versions not stated): gnomAD 0.00001; gnomAD exomes 0.00001 and 0.00002.
gnomAD v4.1: 7 of 1,613,556 alleles (0.00043%); highest among the groups gnomAD compares: Admixed American, 0.012%; no homozygotes.

Submissions (3):

Fulgent Genetics
Classification: Uncertain significance for Hematuria, benign familial, 1; Autosomal recessive Alport syndrome. Last evaluated: 2024-03-11. Review status: criteria provided, single submitter. Criteria: ACMG Guidelines, 2015. Collection method: clinical testing. Allele origin: germline.

Labcorp Genetics (formerly Invitae), Labcorp
Classification: Uncertain significance. Last evaluated: 2021-11-12. Review status: criteria provided, single submitter. Criteria: Invitae Variant Classification Sherloc (09022015). Collection method: clinical testing. Allele origin: germline.
Comment: This sequence change replaces glycine, which is neutral and non-polar, with arginine, which is basic and polar, at codon 454 of the COL4A4 protein (p.Gly454Arg). This variant is present in population databases (no rsID available, gnomAD 0.01%). This variant has not been reported in the literature in individuals affected with COL4A4-related conditions. Algorithms developed to predict the effect of missense changes on protein structure and function are either unavailable or do not agree on the potential impact of this missense change (SIFT: "Deleterious"; PolyPhen-2: "Probably Damaging"; Align-GVGD: "Class C15"). In summary, the available evidence is currently insufficient to determine the role of this variant in disease. Therefore, it has been classified as a Variant of Uncertain Significance.

PreventionGenetics, part of Exact Sciences
Classification: Likely pathogenic for COL4A4-related condition. Last evaluated: 2023-12-08. Review status: no assertion criteria provided. Collection method: clinical testing. Allele origin: germline. Not counted in ClinVar's aggregate classification.
Comment: The COL4A4 c.1360G>A variant is predicted to result in the amino acid substitution p.Gly454Arg. This variant affects a glycine (Gly) residue of the conserved triple helical domain (residues 65-1459) of the COL4A4 protein, where substitutions of the glycine (Gly) residue are usually pathogenic (Hudson et al. 1993. PubMed ID: 8253711). To our knowledge, this variant has not been reported in the literature. In the same exon (exon 20), substitutions of the flanking glycine (Gly) residues have been reported to be pathogenic for autosomal dominant COL4A4 nephropathy (see for example, p.Gly448Ser in Longo et al. 2002. PubMed ID: 12028435; see more at Human Gene Mutation Database). In addition, at other glycine (Gly) residues within this domain, substitutions of a glycine (Gly) with an arginine (Arg) have been widely reported to be pathogenic for autosomal dominant COL4A4 nephropathy (see for example, p.Gly466Arg in Weber et al. 2016. PubMed ID: 26809805; p.Gly599Arg in Fallerini et al. 2014. PubMed ID: 24033287; see more at Human Gene Mutation Database). This variant is reported in 0.012% of alleles in individuals of Latino descent in gnomAD. This variant is interpreted as likely pathogenic.

NM_000092.5(COL4A4):c.1360G>A (p.Gly454Arg)

Gene: COL4A4 (collagen type IV alpha 4 chain; minus strand). Cytogenetic location: 2q36.3.
Variant type: single nucleotide variant.
Coding change: c.1360G>A on transcript NM_000092.5 (MANE Select); coding-DNA position 1360, G replaced by A.
Protein change: p.Gly454Arg; replaces glycine 454 with arginine.
Molecular consequence: missense variant.
Genome position (GRCh38, 1-based): chr2:227,094,134, C>T on the plus strand (G>A on the coding strand, the complement: COL4A4 is on the minus strand). VCF-style: chr2-227094134-C-T. GRCh37 (hg19) VCF-style: chr2-227958850-C-T.
Other names: c.1360G>A (NM_000092.4); short protein forms G454R.
Identifiers: ClinVar variation 1366808 (VCV001366808.6), dbSNP rs1319908269, ClinGen allele CA350852010.